The following is an entry in ClinVar:

ClinVar aggregate classification (germline): Uncertain significance (1 of 4 stars; one submission).

gnomAD v4.1: 4 of 1,612,852 alleles (0.00025%); highest among the groups gnomAD compares: African/African-American, 0.0013%; no homozygotes.

Submission:

Labcorp Genetics (formerly Invitae), Labcorp
Classification: Uncertain significance. Last evaluated: 2026-01-13. Review status: criteria provided, single submitter. Criteria: Invitae Variant Classification Sherloc (09022015). Collection method: clinical testing. Allele origin: germline.
Comment: This sequence change affects codon 1094 of the MYO7A mRNA. It is a 'silent' change, meaning that it does not change the encoded amino acid sequence of the MYO7A protein. This variant is not present in population databases (gnomAD no frequency). This variant has not been reported in the literature in individuals affected with MYO7A-related conditions. ClinVar contains an entry for this variant (Variation ID: 1439902). Algorithms developed to predict the effect of sequence changes on RNA splicing suggest that this variant may create or strengthen a splice site. In summary, the available evidence is currently insufficient to determine the role of this variant in disease. Therefore, it has been classified as a Variant of Uncertain Significance.

NM_000260.4(MYO7A):c.3282C>T (p.Gly1094=)

Gene: MYO7A (myosin VIIA; plus strand). Cytogenetic location: 11q13.5.
Variant type: single nucleotide variant.
Coding change: c.3282C>T on transcript NM_000260.4 (MANE Select); coding-DNA position 3282, C replaced by T.
Protein change: p.Gly1094=; no amino-acid change (glycine 1094 retained).
Molecular consequence: synonymous variant.
Genome position (GRCh38, 1-based): chr11:77,182,597, C>T. VCF-style: chr11-77182597-C-T. GRCh37 (hg19) VCF-style: chr11-76893642-C-T.
Other names: c.3282C>T, p.Gly1094= (NM_001127180.2); c.3249C>T, p.Gly1083= (NM_001369365.1).
Identifiers: ClinVar variation 1439902 (VCV001439902.6), dbSNP rs1470394833, ClinGen allele CA475795760.